The following is an entry in ClinVar:

ClinVar aggregate classification (germline): Pathogenic (1 of 4 stars; one submission).

Conditions:
Developmental and epileptic encephalopathy, 28 (DEE28). Also called: Epileptic encephalopathy, early infantile, 28. Identifiers: Orphanet 442835, MedGen C4015519, MONDO:0014533, OMIM 616211.

Submission:

Victorian Clinical Genetics Services, Murdoch Childrens Research Institute
Classification: Pathogenic for Developmental and epileptic encephalopathy, 28. Review status: criteria provided, single submitter. Criteria: ACMG Guidelines, 2015. Collection method: clinical testing. Allele origin: paternal. Affected: yes.
Comment: - This inframe intragenic copy number variant (CNV) results in the deletion of exon 7 (of 9) of the WWOX gene. - Variant results in the loss of an active site, NAD(P) binding sites and the mitochondrial targeting sequence (NCBI, PMID: 30356099). - Other inframe intragenic CNVs comparable to the one identified in this case, have strong previous evidence for pathogenicity in patients with WWOX -related epileptic encephalopathy (WOREE syndrome) and developmental and epileptic encephalopathy (PMID: 30356099, PMID: 32576985). - This variant has moderate previous evidence of pathogenicity in unrelated individuals. This variant has been reported in at least four unrelated individuals with WOREE syndrome (PMID: 30356099, PMID: 25416187, PMID: 32576985). - This variant has limited evidence for segregation with disease. This variant has segregated within three homozygous siblings with WOREE syndrome (PMID: 30356099, PMID: 25416187). Additional information: - Loss of function is a known mechanism of disease in this gene and is associated with developmental and epileptic encephalopathy 28 (MIM#616211) and spinocerebellar ataxia 12 (SCA) (MIM#614322). Only missense variants with residual protein activity have been reported for SCA (PMID: 30356099, PMID: 29808465). - This gene is associated with autosomal recessive disease. - This variant is heterozygous. - Variant is absent from gnomAD (both v2 and v3). - No published functional evidence has been identified for this variant.

NM_016373.4(WWOX):c.606-1778_792-2744del

Genes: WWOX (WW domain containing oxidoreductase; plus strand), LOC112486209 (Sharpr-MPRA regulatory region 4302; plus strand), LOC132090435 (Neanderthal introgressed variant-containing enhancer experimental_46257; plus strand). Cytogenetic location: 16q23.1.
Variant type: Deletion.
Coding change: c.606-1778_792-2744del on transcript NM_016373.4 (MANE Select); 1778 bases into the intron before coding-DNA position 606 through 2744 bases into the intron before coding-DNA position 792, 6,653 bases deleted.
Molecular consequence: splice acceptor variant, splice donor variant.
Genome position (GRCh38, 1-based): chr16:78,423,092-78,429,744, 6,653 bases deleted. GRCh37 (hg19): chr16:78,456,989-78,463,641.
Other names: c.267-1778_453-2744del (NM_001291997.2).
Identifiers: ClinVar variation 2500713 (VCV002500713.1), ClinGen allele CA2580092125.